The following is an entry in ClinVar:

NM_001845.6(COL4A1):c.3154G>T (p.Ala1052Ser)

Gene: COL4A1 (collagen type IV alpha 1 chain; minus strand). Cytogenetic location: 13q34.
Variant type: single nucleotide variant.
Coding change: c.3154G>T on transcript NM_001845.6 (MANE Select); coding-DNA position 3154, G replaced by T.
Protein change: p.Ala1052Ser; replaces alanine 1052 with serine.
Molecular consequence: missense variant.
Genome position (GRCh38, 1-based): chr13:110,175,262, C>A on the plus strand (G>T on the coding strand, the complement: COL4A1 is on the minus strand). VCF-style: chr13-110175262-C-A. GRCh37 (hg19) VCF-style: chr13-110827609-C-A.
Other names: short protein forms A1052S.
Identifiers: ClinVar variation 3768967 (VCV003768967.1).

ClinVar aggregate classification (germline): Uncertain significance (1 of 4 stars; one submission).

Submission:

Women's Health and Genetics/Laboratory Corporation of America, LabCorp
Classification: Uncertain significance. Last evaluated: 2025-02-19. Review status: criteria provided, single submitter. Criteria: LabCorp Variant Classification Summary - May 2015. Collection method: clinical testing. Allele origin: germline.
Comment: Variant summary: COL4A1 c.3154G>T (p.Ala1052Ser) results in a conservative amino acid change in the encoded protein sequence. Three of five in-silico tools predict a damaging effect of the variant on protein function. The variant was absent in 251478 control chromosomes (gnomAD). The available data on variant occurrences in the general population are insufficient to allow any conclusion about variant significance. To our knowledge, no occurrence of c.3154G>T in individuals affected with Porencephaly 1 and no experimental evidence demonstrating its impact on protein function have been reported. No submitters have cited clinical-significance assessments for this variant to ClinVar. Based on the evidence outlined above, the variant was classified as uncertain significance.